The following is an entry in ClinVar:

NM_021975.4(RELA):c.1300G>T (p.Gly434Ter)

Gene: RELA (RELA proto-oncogene, NF-kB subunit; minus strand). Cytogenetic location: 11q13.1.
Variant type: single nucleotide variant.
Coding change: c.1300G>T on transcript NM_021975.4 (MANE Select); coding-DNA position 1300, G replaced by T.
Protein change: p.Gly434Ter; replaces glycine 434 with a stop codon.
Molecular consequence: nonsense. On other transcripts: intron variant (1).
Genome position (GRCh38, 1-based): chr11:65,654,734, C>A on the plus strand (G>T on the coding strand, the complement: RELA is on the minus strand). VCF-style: chr11-65654734-C-A. GRCh37 (hg19) VCF-style: chr11-65422205-C-A.
Other names: c.1215+85G>T (NM_001243985.2); c.1291G>T, p.Gly431Ter (NM_001145138.2); c.1093G>T, p.Gly365Ter (NM_001243984.2); c.1333G>T, p.Gly445Ter (NM_001404657.1); c.1273G>T, p.Gly425Ter (NM_001404658.1); c.1087G>T, p.Gly363Ter (NM_001404659.1); c.982G>T, p.Gly328Ter (NM_001404660.1); c.919G>T, p.Gly307Ter (NM_001404661.1); and 1 more; short protein forms G363*, G365*, G403*, G431*, G307*, G425*, G434*, G328*.
Identifiers: ClinVar variation 2769527 (VCV002769527.3), dbSNP rs2496825673, ClinGen allele CA381387416.

ClinVar aggregate classification (germline): Pathogenic (1 of 4 stars; one submission).

Submission:

Labcorp Genetics (formerly Invitae), Labcorp
Classification: Pathogenic. Last evaluated: 2023-10-17. Review status: criteria provided, single submitter. Criteria: Invitae Variant Classification Sherloc (09022015). Collection method: clinical testing. Allele origin: germline.
Comment: This sequence change creates a premature translational stop signal (p.Gly434*) in the RELA gene. While this is not anticipated to result in nonsense mediated decay, it is expected to disrupt the last 118 amino acid(s) of the RELA protein. This variant is not present in population databases (gnomAD no frequency). This variant has not been reported in the literature in individuals affected with RELA-related conditions. This variant disrupts a region of the RELA protein in which other variant(s) (p.His487Thrfs*7) have been determined to be pathogenic (PMID: 32969189). This suggests that this is a clinically significant region of the protein, and that variants that disrupt it are likely to be disease-causing. For these reasons, this variant has been classified as Pathogenic.

Literature cited by the submitters: PubMed 32969189.